The following is an entry in ClinVar:

NM_001271.4(CHD2):c.4682_4683insT (p.Gln1561fs)

Gene: CHD2 (chromodomain helicase DNA binding protein 2; plus strand). Cytogenetic location: 15q26.1.
Variant type: Insertion.
Coding change: c.4682_4683insT on transcript NM_001271.4 (MANE Select); coding-DNA positions 4682 to 4683, T inserted.
Protein change: p.Gln1561fs; shifts the reading frame from glutamine 1561.
Molecular consequence: frameshift variant.
Genome position: GRCh38 VCF-style: chr15-93012434-A-AT. GRCh37 (hg19) VCF-style: chr15-93555664-A-AT.
Other names: short protein forms Q1561fs.
Identifiers: ClinVar variation 2580504 (VCV002580504.1), dbSNP rs2505624988, ClinGen allele CA2580618126.
Genomic context (GRCh38, chr15:93,012,434, plus strand): 5'-CAGAATTTGATGCTCGAAAACTGCATAAGTTATACAAGATGGCTCATAAGAAAAGGTCTC[A>AT]AGAAGAAGAGGTAAAGTACAAATTCAGTCCTAATTCATACAAACAAATACCAATTCCACA-3'

ClinVar aggregate classification (germline): Pathogenic (1 of 4 stars; one submission).

Submission:

GeneDx
Classification: Pathogenic. Last evaluated: 2023-03-22. Review status: criteria provided, single submitter. Criteria: GeneDx Variant Classification Process June 2021. Collection method: clinical testing. Allele origin: germline. Affected: yes.
Comment: Frameshift variant predicted to result in protein truncation or nonsense mediated decay in a gene for which loss of function is a known mechanism of disease; Not observed at significant frequency in large population cohorts (gnomAD); Has not been previously published as pathogenic or benign to our knowledge